The following is an entry in ClinVar:

ClinVar aggregate classification (germline): Likely benign (0 of 4 stars; one submission).

Conditions:
NTNG1-related disorder. Also called: NTNG1-related condition.

Allele frequency attached by ClinVar (database versions not stated): TOPMed 0.00003; gnomAD 0.00004; gnomAD exomes 0.00008; ExAC 0.00010.
gnomAD v4.1: 116 of 1,496,042 alleles (0.0078%); highest among the groups gnomAD compares: Middle Eastern, 0.2%; 2 homozygotes.

Submission:

PreventionGenetics, part of Exact Sciences
Classification: Likely benign for NTNG1-related condition. Last evaluated: 2019-08-14. Review status: no assertion criteria provided. Collection method: clinical testing. Allele origin: germline.
Comment: This variant is classified as likely benign based on ACMG/AMP sequence variant interpretation guidelines (Richards et al. 2015 PMID: 25741868, with internal and published modifications).

NM_001113226.3(NTNG1):c.1404C>T (p.Asp468=)

Gene: NTNG1 (netrin G1; plus strand). Cytogenetic location: 1p13.3.
Variant type: single nucleotide variant.
Coding change: c.1404C>T on transcript NM_001113226.3 (MANE Select); coding-DNA position 1404, C replaced by T.
Protein change: p.Asp468=; no amino-acid change (aspartic acid 468 retained).
Molecular consequence: synonymous variant.
Genome position (GRCh38, 1-based): chr1:107,480,624, C>T. VCF-style: chr1-107480624-C-T. GRCh37 (hg19) VCF-style: chr1-108023246-C-T.
Other names: c.1227C>T, p.Asp409= (NM_001113228.3, NM_001372169.1); c.1302C>T, p.Asp434= (NM_001312688.2); c.1167C>T, p.Asp389= (NM_001330665.2); c.1236C>T, p.Asp412= (NM_001372166.1); c.1404C>T, p.Asp468= (NM_001372167.1, NM_001372170.1); c.1101C>T, p.Asp367= (NM_001372168.1, NM_001372171.1, NM_014917.4).
Identifiers: ClinVar variation 3052477 (VCV003052477.2), dbSNP rs201741317, ClinGen allele CA977930.